The following is an entry in ClinVar:

ClinVar aggregate classification (germline): Likely benign. Review status: criteria provided, multiple submitters, no conflicts (2 of 4 stars). 3 submissions from 3 submitters: Likely benign (2). 1 of the submissions does not count toward it. Last evaluated 2025-05-20.

Conditions:
CDH3-related disorder. Also called: CDH3-related condition.

Allele frequency attached by ClinVar (database versions not stated): gnomAD 0.00003 and 0.00005; gnomAD exomes 0.00003 and 0.00005; TOPMed 0.00003; ExAC 0.00007; 1000 Genomes Project 0.00060; 1000 Genomes Project 30x 0.00062.
gnomAD v4.1: 56 of 1,613,842 alleles (0.0035%); highest among the groups gnomAD compares: East Asian, 0.016%; no homozygotes.

Submissions (3):

Labcorp Genetics (formerly Invitae), Labcorp
Classification: Likely benign. Last evaluated: 2025-05-20. Review status: criteria provided, single submitter. Criteria: Invitae Variant Classification Sherloc (09022015). Collection method: clinical testing. Allele origin: germline.

Blueprint Genetics
Classification: Likely benign. Last evaluated: 2024-11-21. Review status: criteria provided, single submitter. Criteria: ACMG Guidelines, 2015. Collection method: clinical testing. Allele origin: germline.

PreventionGenetics, part of Exact Sciences
Classification: Likely benign for CDH3-related condition. Last evaluated: 2019-02-21. Review status: no assertion criteria provided. Collection method: clinical testing. Allele origin: germline. Not counted in ClinVar's aggregate classification.
Comment: This variant is classified as likely benign based on ACMG/AMP sequence variant interpretation guidelines (Richards et al. 2015 PMID: 25741868, with internal and published modifications).

NM_001793.6(CDH3):c.2484C>T (p.Asp828=)

Gene: CDH3 (cadherin 3; plus strand). Cytogenetic location: 16q22.1.
Variant type: single nucleotide variant.
Coding change: c.2484C>T on transcript NM_001793.6 (MANE Select); coding-DNA position 2484, C replaced by T.
Protein change: p.Asp828=; no amino-acid change (aspartic acid 828 retained).
Molecular consequence: synonymous variant. On other transcripts: 3 prime UTR variant (1).
Genome position (GRCh38, 1-based): chr16:68,698,394, C>T. VCF-style: chr16-68698394-C-T. GRCh37 (hg19) VCF-style: chr16-68732297-C-T.
Other names: c.*227C>T (NM_001317195.3); c.2319C>T, p.Asp773= (NM_001317196.2); c.2484C>T (NM_001793.5).
Identifiers: ClinVar variation 320256 (VCV000320256.16), dbSNP rs202210726, ClinGen allele CA8129753.